The following is an entry in ClinVar:

ClinVar aggregate classification (germline): Pathogenic/Likely pathogenic. Review status: criteria provided, multiple submitters, no conflicts (2 of 4 stars). 2 submissions from 2 submitters: Pathogenic (1); Likely pathogenic (1). Last evaluated 2025-03-11.

Conditions:
DDR2-related disorder. Also called: DDR2-related condition.

Allele frequency attached by ClinVar (database versions not stated): gnomAD exomes below 0.00001.
gnomAD v4.1: 3 of 1,614,188 alleles (0.00019%); highest among the groups gnomAD compares: South Asian, 0.0011%; no homozygotes.

Submissions (2):

Labcorp Genetics (formerly Invitae), Labcorp
Classification: Pathogenic. Last evaluated: 2025-03-11. Review status: criteria provided, single submitter. Criteria: Invitae Variant Classification Sherloc (09022015). Collection method: clinical testing. Allele origin: germline.
Comment: This sequence change creates a premature translational stop signal (p.Arg341*) in the DDR2 gene. It is expected to result in an absent or disrupted protein product. Loss-of-function variants in DDR2 are known to be pathogenic (PMID: 11375938, 29884795). This variant is present in population databases (no rsID available, gnomAD 0.0009%). This variant has not been reported in the literature in individuals affected with DDR2-related conditions. ClinVar contains an entry for this variant (Variation ID: 1985374). For these reasons, this variant has been classified as Pathogenic.

Blueprint Genetics
Classification: Likely pathogenic for DDR2-related disorders. Last evaluated: 2019-02-13. Review status: criteria provided, single submitter. Criteria: ACMG Guidelines, 2015. Collection method: clinical testing. Allele origin: germline. Affected: yes. Observed: 1 variant allele.

Literature cited by the submitters: PubMed 11375938 (cited by Labcorp Genetics (formerly Invitae), Labcorp); PubMed 29884795 (cited by Labcorp Genetics (formerly Invitae), Labcorp).

NM_006182.4(DDR2):c.1021C>T (p.Arg341Ter)

Gene: DDR2 (discoidin domain receptor tyrosine kinase 2; plus strand). Cytogenetic location: 1q23.3.
Variant type: single nucleotide variant.
Coding change: c.1021C>T on transcript NM_006182.4 (MANE Select); coding-DNA position 1021, C replaced by T.
Protein change: p.Arg341Ter; replaces arginine 341 with a stop codon.
Molecular consequence: nonsense.
Genome position (GRCh38, 1-based): chr1:162,761,376, C>T. VCF-style: chr1-162761376-C-T. GRCh37 (hg19) VCF-style: chr1-162731166-C-T.
Other names: c.1021C>T, p.Arg341Ter (NM_001014796.3, NM_001354982.2, NM_001354983.2); short protein forms R341*.
Identifiers: ClinVar variation 1985374 (VCV001985374.5), dbSNP rs1241709692, ClinGen allele CA343409666.